The following is an entry in ClinVar:

ClinVar aggregate classification (germline): Likely benign. Review status: criteria provided, multiple submitters, no conflicts (2 of 4 stars). 5 submissions from 5 submitters: Likely benign (5). Last evaluated 2025-06-11.

Conditions:
Cardiovascular phenotype. Identifiers: MedGen CN230736.
Cardiomyopathy (CMYO). Also called: Cardiomyopathies. Identifiers: Orphanet 167848, MedGen C0878544, MONDO:0004994, HP:0001638. Inheritance: Various modes of inheritance.
Hypertrophic cardiomyopathy. Also called: HYPERTROPHIC MYOCARDIOPATHY. Identifiers: Orphanet 217569, MedGen C0007194, MeSH D002312, MONDO:0005045, HP:0001639.

Allele frequency attached by ClinVar (database versions not stated): gnomAD exomes 0.00001; gnomAD 0.00001; TOPMed below 0.00001.
gnomAD v4.1: 14 of 1,613,834 alleles (0.00087%); highest among the groups gnomAD compares: Non-Finnish European, 0.00068%; no homozygotes.

Submissions (5):

Labcorp Genetics (formerly Invitae), Labcorp
Classification: Likely benign for Hypertrophic cardiomyopathy. Last evaluated: 2025-06-11. Review status: criteria provided, single submitter. Criteria: Invitae Variant Classification Sherloc (09022015). Collection method: clinical testing. Allele origin: germline.

All of Us Research Program, National Institutes of Health
Classification: Likely benign for Cardiomyopathy. Last evaluated: 2024-08-30. Review status: criteria provided, single submitter. Criteria: ACMG Guidelines, 2015. Collection method: clinical testing. Allele origin: germline. Inheritance: Autosomal dominant inheritance. Observed: 8 variant alleles, 8 heterozygotes.
Comment: This study involves interpretation of variants in research participants for the purpose of population health screening. Participant phenotype was not available at the time of variant classification. Additional details can be found in publication PMID: 35346344, PMCID: PMC8962531

Ambry Genetics
Classification: Likely benign for Cardiovascular phenotype. Last evaluated: 2020-03-20. Review status: criteria provided, single submitter. Criteria: Ambry Variant Classification Scheme 2023. Collection method: clinical testing. Allele origin: germline.

Color Diagnostics, LLC DBA Color Health
Classification: Likely benign for Cardiomyopathy. Last evaluated: 2019-06-01. Review status: criteria provided, single submitter. Criteria: ACMG Guidelines, 2015. Collection method: clinical testing. Allele origin: germline.

GeneDx
Classification: Likely benign. Last evaluated: 2019-05-23. Review status: criteria provided, single submitter. Criteria: GeneDx Variant Classification Process June 2021. Collection method: clinical testing. Allele origin: germline. Affected: yes.

NM_000257.4(MYH7):c.3774G>A (p.Glu1258=)

Gene: MYH7 (myosin heavy chain 7; minus strand). Cytogenetic location: 14q11.2.
Variant type: single nucleotide variant.
Coding change: c.3774G>A on transcript NM_000257.4 (MANE Select); coding-DNA position 3774, G replaced by A.
Protein change: p.Glu1258=; no amino-acid change (glutamic acid 1258 retained).
Molecular consequence: synonymous variant.
Genome position (GRCh38, 1-based): chr14:23,419,562, C>T on the plus strand (G>A on the coding strand, the complement: MYH7 is on the minus strand). VCF-style: chr14-23419562-C-T. GRCh37 (hg19) VCF-style: chr14-23888771-C-T.
Identifiers: ClinVar variation 696676 (VCV000696676.17), dbSNP rs199653953, ClinGen allele CA257815058.